The following is an entry in ClinVar:

NM_015404.4(WHRN):c.721G>C (p.Gly241Arg)

Gene: WHRN (whirlin; minus strand). Cytogenetic location: 9q32.
Variant type: single nucleotide variant.
Coding change: c.721G>C on transcript NM_015404.4 (MANE Select); coding-DNA position 721, G replaced by C.
Protein change: p.Gly241Arg; replaces glycine 241 with arginine.
Molecular consequence: missense variant. On other transcripts: 5 prime UTR variant (1).
Genome position (GRCh38, 1-based): chr9:114,478,669, C>G on the plus strand (G>C on the coding strand, the complement: WHRN is on the minus strand). VCF-style: chr9-114478669-C-G. GRCh37 (hg19) VCF-style: chr9-117240949-C-G.
Other names: c.-429G>C (NM_001083885.3); c.721G>C, p.Gly241Arg (NM_001173425.2); short protein forms G241R.
Identifiers: ClinVar variation 2085802 (VCV002085802.4), dbSNP rs766124318, ClinGen allele CA374621942.

ClinVar aggregate classification (germline): Uncertain significance (1 of 4 stars; one submission).

Submission:

Labcorp Genetics (formerly Invitae), Labcorp
Classification: Uncertain significance. Last evaluated: 2022-01-16. Review status: criteria provided, single submitter. Criteria: Invitae Variant Classification Sherloc (09022015). Collection method: clinical testing. Allele origin: germline.
Comment: This sequence change replaces glycine, which is neutral and non-polar, with arginine, which is basic and polar, at codon 241 of the WHRN protein (p.Gly241Arg). This variant is not present in population databases (gnomAD no frequency). This variant has not been reported in the literature in individuals affected with WHRN-related conditions. Algorithms developed to predict the effect of missense changes on protein structure and function (SIFT, PolyPhen-2, Align-GVGD) all suggest that this variant is likely to be disruptive. In summary, the available evidence is currently insufficient to determine the role of this variant in disease. Therefore, it has been classified as a Variant of Uncertain Significance.